The following is an entry in ClinVar:

NM_015999.6(ADIPOR1):c.703C>T (p.Arg235Trp)

Gene: ADIPOR1 (adiponectin receptor 1; minus strand). Cytogenetic location: 1q32.1.
Variant type: single nucleotide variant.
Coding change: c.703C>T on transcript NM_015999.6 (MANE Select); coding-DNA position 703, C replaced by T.
Protein change: p.Arg235Trp; replaces arginine 235 with tryptophan.
Molecular consequence: missense variant.
Genome position (GRCh38, 1-based): chr1:202,943,860, G>A on the plus strand (C>T on the coding strand, the complement: ADIPOR1 is on the minus strand). VCF-style: chr1-202943860-G-A. GRCh37 (hg19) VCF-style: chr1-202912988-G-A.
Other names: c.703C>T, p.Arg235Trp (NM_001290629.1, NM_001127687.1, NM_001290553.2 and 1 more transcripts); short protein forms R235W.
Identifiers: ClinVar variation 1912022 (VCV001912022.5), dbSNP rs1654198496, ClinGen allele CA344279353.

ClinVar aggregate classification (germline): Uncertain significance (1 of 4 stars; one submission).

Allele frequency attached by ClinVar (database versions not stated): gnomAD exomes below 0.00001; gnomAD 0.00001.
gnomAD v4.1: 3 of 1,614,052 alleles (0.00019%); highest among the groups gnomAD compares: Non-Finnish European, 0.00025%; no homozygotes.

Submission:

Labcorp Genetics (formerly Invitae), Labcorp
Classification: Uncertain significance. Last evaluated: 2025-01-13. Review status: criteria provided, single submitter. Criteria: Invitae Variant Classification Sherloc (09022015). Collection method: clinical testing. Allele origin: germline.
Comment: This sequence change replaces arginine, which is basic and polar, with tryptophan, which is neutral and slightly polar, at codon 235 of the ADIPOR1 protein (p.Arg235Trp). This variant is not present in population databases (gnomAD no frequency). This variant has not been reported in the literature in individuals affected with ADIPOR1-related conditions. ClinVar contains an entry for this variant (Variation ID: 1912022). An algorithm developed to predict the effect of missense changes on protein structure and function (PolyPhen-2) suggests that this variant is likely to be tolerated. In summary, the available evidence is currently insufficient to determine the role of this variant in disease. Therefore, it has been classified as a Variant of Uncertain Significance.